The following is an entry in ClinVar:

ClinVar aggregate classification (germline): Pathogenic. Review status: criteria provided, multiple submitters, no conflicts (2 of 4 stars). 2 submissions from 2 submitters: Pathogenic (2). Last evaluated 2015-03-19.

Conditions:
Developmental and epileptic encephalopathy, 9 (DEE9). Also called: Early infantile epileptic encephalopathy 9; EPILEPSY, FEMALE-RESTRICTED, WITH MENTAL RETARDATION; PCDH19-Related X-Linked Female-Limited Epilepsy with Mental Retardation; JUBERG-HELLMAN SYNDROME. Identifiers: Orphanet 101039, Orphanet 2076, MedGen C1848137, MONDO:0010246, OMIM 300088. Disease mechanism: loss of function.

Submissions (2):

Genetic Services Laboratory, University of Chicago
Classification: Pathogenic for Epileptic encephalopathy, early infantile, 9. Last evaluated: 2015-03-19. Review status: criteria provided, single submitter. Criteria: ACMG Guidelines, 2015. Collection method: clinical testing. Allele origin: germline. Affected: yes.

GeneDx
Classification: Pathogenic. Last evaluated: 2013-09-17. Review status: criteria provided, single submitter. Criteria: GeneDx Variant Classification (06012015). Collection method: clinical testing. Allele origin: germline. Affected: yes.
Comment: This variant is denoted c.2258delA: p.Asn753ThrfsX8 (N753Tfsx8) in exon 2 of the PCDH19 gene (NM_001105243.1).The normal sequence with the base that is deleted in braces is: ATGA{A}CGTT. The c.2258delA mutation in the PCDH19 gene causes a frameshift starting with codon Asparagine 753, changes this amino acid to a Threonine residue and creates a premature Stop codon at position 8 of the new reading frame, denoted p.Asn753ThrfsX8. This mutation is predicted to cause loss of normal protein function either through protein truncation or nonsense-mediated mRNA decay. Although this mutation has not been previously reported to our knowledge, its presence is consistent with a diagnosis of a PCDH19-related disorder. The variant is found in INFANT-EPI panel(s).

NM_001184880.2(PCDH19):c.2399del (p.Asn800fs)

Genes: PCDH19 (protocadherin 19; minus strand), LOC125467768 (CDK7 strongly-dependent group 2 enhancer GRCh37_chrX:99657381-99658580; plus strand). Cytogenetic location: Xq22.1.
Variant type: Deletion.
Coding change: c.2399del on transcript NM_001184880.2 (MANE Select); coding-DNA position 2399, one base deleted (A; older notation c.2399delA).
Protein change: p.Asn800fs; shifts the reading frame from asparagine 800.
Molecular consequence: frameshift variant.
Genome position (GRCh38, 1-based): chrX:100,402,741, T deleted on the plus strand (A on the coding strand, the reverse complement: PCDH19 is on the minus strand); the first of 2 consecutive T bases (chrX:100,402,741-100,402,742); deleting either gives the same sequence. VCF-style (leftmost placement, unchanged base first): chrX-100402740-GT-G. GRCh37 (hg19) VCF-style: chrX-99657738-GT-G.
Other names: c.2258del, p.Asn753fs (NM_001105243.2, NM_020766.3); short protein forms N753fs, N800fs.
Identifiers: ClinVar variation 206360 (VCV000206360.6), dbSNP rs796052836, ClinGen allele CA205281.